The following is an entry in ClinVar:

NM_001080517.3(SETD5):c.2497A>C (p.Lys833Gln)

Gene: SETD5 (SET domain containing 5; plus strand). Cytogenetic location: 3p25.3.
Variant type: single nucleotide variant.
Coding change: c.2497A>C on transcript NM_001080517.3 (MANE Select); coding-DNA position 2497, A replaced by C.
Protein change: p.Lys833Gln; replaces lysine 833 with glutamine.
Molecular consequence: missense variant.
Genome position (GRCh38, 1-based): chr3:9,464,445, A>C. VCF-style: chr3-9464445-A-C. GRCh37 (hg19) VCF-style: chr3-9506129-A-C.
Other names: c.2203A>C, p.Lys735Gln (NM_001292043.2, NM_001349451.2); short protein forms K735Q, K833Q.
Identifiers: ClinVar variation 1313545 (VCV001313545.5), dbSNP rs1363300440, ClinGen allele CA351707417.

ClinVar aggregate classification (germline): Uncertain significance (1 of 4 stars; one submission).

Allele frequency attached by ClinVar (database versions not stated): gnomAD exomes below 0.00001; gnomAD 0.00001.
gnomAD v4.1: 3 of 1,611,902 alleles (0.00019%); highest among the groups gnomAD compares: South Asian, 0.0011%; no homozygotes.

Submission:

GeneDx
Classification: Uncertain significance. Last evaluated: 2024-07-09. Review status: criteria provided, single submitter. Criteria: GeneDx Variant Classification Process June 2021. Collection method: clinical testing. Allele origin: germline. Affected: yes.
Comment: Not observed at significant frequency in large population cohorts (gnomAD); In silico analysis supports that this missense variant has a deleterious effect on protein structure/function; Has not been previously published as pathogenic or benign to our knowledge